The following is an entry in ClinVar:

ClinVar aggregate classification (germline): Benign/Likely benign. Review status: criteria provided, multiple submitters, no conflicts (2 of 4 stars). 3 submissions from 3 submitters: Benign (2); Likely benign (1). Last evaluated 2026-06-10.

Conditions:
Linear skin defects with multiple congenital anomalies 1 (LSDMCA1). Also called: MLS syndrome; MIDAS SYNDROME; Microphthalmia with Linear Skin Defects Syndrome. Identifiers: Orphanet 2556, MedGen C0796070, MONDO:0024552, OMIM 309801.

Allele frequency attached by ClinVar (database versions not stated): gnomAD 0.00002 and 0.00004; gnomAD exomes 0.00005 and 0.00008; 1000 Genomes Project 30x 0.00021; 1000 Genomes Project 0.00026; TOPMed 0.00008; ExAC 0.00009.
gnomAD v4.1: 89 of 1,205,416 alleles (0.0074%); highest among the groups gnomAD compares: Middle Eastern, 0.069%; no homozygotes.

Submissions (3):

Women's Health and Genetics/Laboratory Corporation of America, LabCorp
Classification: Likely benign. Last evaluated: 2026-06-10. Review status: criteria provided, single submitter. Criteria: LabCorp Variant Classification Summary - May 2015. Collection method: clinical testing. Allele origin: germline.
Comment: Variant summary: HCCS c.697G>A (p.Glu233Lys) results in a conservative amino acid change in the encoded protein sequence. Algorithms developed to predict the effect of missense changes on protein structure and function are either unavailable or do not agree on the potential impact of this missense change. The variant allele was found at a frequency of 7.4e-05 in 1205416 control chromosomes (gnomAD v4), including 89 health controls and 26 hemizygotes. To our knowledge, no occurrence of c.697G>A in individuals affected with HCCS-related conditions and no experimental evidence demonstrating its impact on protein function have been reported. ClinVar contains an entry for this variant (Variation ID: 767117). Based on the evidence outlined above, the variant was classified as likely benign.

Labcorp Genetics (formerly Invitae), Labcorp
Classification: Benign. Last evaluated: 2024-05-06. Review status: criteria provided, single submitter. Criteria: Invitae Variant Classification Sherloc (09022015). Collection method: clinical testing. Allele origin: germline.

Department of Pathology and Laboratory Medicine, Sinai Health System
Classification: Benign for Linear skin defects with multiple congenital anomalies 1. Last evaluated: 2020-05-31. Review status: criteria provided, single submitter. Criteria: ACMG Guidelines, 2015. Collection method: research. Allele origin: germline.

NM_005333.5(HCCS):c.697G>A (p.Glu233Lys)

Gene: HCCS (holocytochrome c synthase; plus strand). Cytogenetic location: Xp22.2.
Variant type: single nucleotide variant.
Coding change: c.697G>A on transcript NM_005333.5 (MANE Select); coding-DNA position 697, G replaced by A.
Protein change: p.Glu233Lys; replaces glutamic acid 233 with lysine.
Molecular consequence: missense variant.
Genome position (GRCh38, 1-based): chrX:11,121,700, G>A. VCF-style: chrX-11121700-G-A. GRCh37 (hg19) VCF-style: chrX-11139820-G-A.
Other names: c.697G>A, p.Glu233Lys (NM_001122608.3, NM_001171991.3); short protein forms E233K.
Identifiers: ClinVar variation 767117 (VCV000767117.8), dbSNP rs199575974, ClinGen allele CA10347883.